The following is an entry in ClinVar:

NM_153700.2(STRC):c.4171C>G (p.Arg1391Gly)

Gene: STRC (stereocilin; minus strand). Cytogenetic location: 15q15.3.
Variant type: single nucleotide variant.
Coding change: c.4171C>G on transcript NM_153700.2 (MANE Select); coding-DNA position 4171, C replaced by G.
Protein change: p.Arg1391Gly; replaces arginine 1391 with glycine.
Molecular consequence: missense variant.
Genome position (GRCh38, 1-based): chr15:43,604,408, G>C on the plus strand (C>G on the coding strand, the complement: STRC is on the minus strand). VCF-style: chr15-43604408-G-C. GRCh37 (hg19) VCF-style: chr15-43896606-G-C.
Other names: short protein forms R1391G.
Identifiers: ClinVar variation 165311 (VCV000165311.16), dbSNP rs376104748, ClinGen allele CA273236.

ClinVar aggregate classification (germline): Conflicting classifications of pathogenicity. Review status: criteria provided, conflicting classifications (1 of 4 stars). 11 submissions from 11 submitters: Pathogenic (2); Likely pathogenic (6); Uncertain significance (2). 1 of the submissions does not count toward it. Last evaluated 2025-08-21.

Conditions:
Deafness-infertility syndrome. Also called: Deafness and male infertility. Identifiers: Orphanet 94064, MedGen C1970187, MONDO:0012621, OMIM 611102.
Spermatogenic failure 7. Also called: MALE INFERTILITY, NONSYNDROMIC, AUTOSOMAL RECESSIVE. Identifiers: Orphanet 276234, MedGen C2751811, MONDO:0013070, OMIM 612997.
Autosomal recessive nonsyndromic hearing loss 16. Also called: DFNB16 Nonsyndromic Hearing Loss and Deafness; DEAFNESS, AUTOSOMAL RECESSIVE 16. Identifiers: Orphanet 90636, MedGen C1863561, MONDO:0011364, OMIM 603720.
STRC-related disorder. Also called: STRC-related condition.
Rare genetic deafness. Identifiers: Orphanet 96210, MedGen C5680250.
Nonsyndromic genetic hearing loss. Also called: Nonsyndromic hearing loss and deafness; Nonsyndromic genetic deafness; Non-syndromic genetic deafness. Identifiers: Orphanet 87884, MedGen C5680182, MONDO:0019497.
Autosomal dominant nonsyndromic hearing loss 16. Also called: Deafness, autosomal dominant 16. Identifiers: Orphanet 90635, MedGen C1858916, MONDO:0011389, OMIM 603964.

Allele frequency attached by ClinVar (database versions not stated): TOPMed 0.00009; ESP Exome Variant Server 0.00023.
gnomAD v4.1: 120 of 1,587,048 alleles (0.0076%); highest among the groups gnomAD compares: Admixed American, 0.0018%; 2 homozygotes.

Submissions (11):

PreventionGenetics, part of Exact Sciences
Classification: Likely pathogenic for STRC-related condition. Last evaluated: 2025-08-21. Review status: criteria provided, single submitter. Criteria: ACMG Guidelines, 2015. Collection method: clinical testing. Allele origin: germline.
Comment: The STRC c.4171C>G variant is predicted to result in the amino acid substitution p.Arg1391Gly. This variant has been reported in the homozygous or compound heterozygous state in nine individuals with mild to moderate hearing loss from three unrelated families (Francey et al. 2012. PubMed ID: 22147502; Table S3, Sloan-Heggen et al. 2016. PubMed ID: 26969326). This variant is reported in 0.22% of alleles in individuals of Ashkenazi Jewish descent in gnomAD. This variant is interpreted as likely pathogenic.

Blueprint Genetics
Classification: Pathogenic for STRC-related disorders. Last evaluated: 2024-11-21. Review status: criteria provided, single submitter. Criteria: ACMG Guidelines, 2015. Collection method: clinical testing. Allele origin: germline. Affected: yes. Observed: 5 variant alleles.

New York Genome Center
Classification: Likely pathogenic for Autosomal recessive nonsyndromic hearing loss 16. Last evaluated: 2024-10-25. Review status: criteria provided, single submitter. Criteria: NYGC Assertion Criteria 2020. Collection method: clinical testing. Allele origin: inherited. Affected: yes. Observed: 1 variant allele, 1 compound heterozygote.
Comment: The inherited heterozygous c.4171C>G variant in STRC has previously been reported in both homozygous and compound heterozygous state in individuals affected with hearing loss. This variant was identified in compound heterozygosity in 1 individual [PMID: 26969326] and in homozygosity in 8 individuals from two families of Ashkenazi ancestry who shared a region of homozygosity [PMID: 22147502]. The c.4171C>G variant in STRC has been deposited in ClinVar [ClinVar ID:165311] as Likely Pathogenic/Pathogenic multiple times with affected status provided by some submitters. The c.4171C>G variant is observed in 120 alleles (~0.007% minor allele frequency with 2 homozygotes) in population databases (gnomAD v4.1.0, All of Us), suggesting it is not a common benign variant in the populations represented in those databases. The c.4171C>G variant in STRC is located in exon 21 of this 29-exon gene, and predicted to replace an evolutionarily conserved arginine amino acid with glycine at position 1391 (p.(Arg1391Gly)) of the encoded protein. In silico predictions support a damaging effect for the p. (Arg1391Gly) variant [CADD v1.6 = 24.6, REVEL = 0.642]; however, there are no functional studies to support or refute these predictions. Another missense variant affecting the same protein residue, p.(Arg1391Cys), has been reported as a variant of uncertain significance in ClinVar [ClinVar ID: 517451]. Based on available evidence this inherited c.4171C>G, p. (Arg1391Gly) variant identified in STRC in this sample is classified as Likely Pathogenic.

GeneDx
Classification: Uncertain significance. Last evaluated: 2023-12-16. Review status: criteria provided, single submitter. Criteria: GeneDx Variant Classification Process June 2021. Collection method: clinical testing. Allele origin: germline. Affected: yes.
Comment: In silico analysis supports that this missense variant does not alter protein structure/function; This variant is associated with the following publications: (PMID: 31589614, 22147502)

Women's Health and Genetics/Laboratory Corporation of America, LabCorp
Classification: Pathogenic for Nonsyndromic genetic hearing loss. Last evaluated: 2023-10-10. Review status: criteria provided, single submitter. Criteria: LabCorp Variant Classification Summary - May 2015. Collection method: clinical testing. Allele origin: germline.
Comment: Variant summary: STRC c.4171C>G (p.Arg1391Gly) results in a non-conservative amino acid change in the encoded protein sequence. Four of five in-silico tools predict a damaging effect of the variant on protein function. The variant allele was found at a frequency of 0.00013 in 193244 control chromosomes. This frequency is not significantly higher than estimated for a pathogenic variant in STRC causing Nonsyndromic Hearing Loss And Deafness, Type 16 (0.00013 vs 0.0011), allowing no conclusion about variant significance. c.4171C>G has been reported in the literature in multiple individuals affected with Nonsyndromic Hearing Loss And Deafness (Francey_2012, Sloan-Heggen_2016) and observed to segregate with disease. These data indicate that the variant is very likely to be associated with disease. To our knowledge, no experimental evidence demonstrating an impact on protein function has been reported. The following publications have been ascertained in the context of this evaluation (PMID: 22147502, 26969326). Four submitters have cited clinical-significance assessments for this variant to ClinVar after 2014. All submitters classified the variant as pathogenic/likely pathogenic. Based on the evidence outlined above, the variant was classified as pathogenic.

Department of Pathology and Laboratory Medicine, Sinai Health System
Classification: Uncertain significance for Autosomal recessive nonsyndromic hearing loss 16; Deafness-infertility syndrome; Spermatogenic failure 7. Last evaluated: 2023-02-24. Review status: criteria provided, single submitter. Criteria: ACMG Guidelines, 2015. Collection method: research. Allele origin: germline.

Mayo Clinic Laboratories, Mayo Clinic
Classification: Likely pathogenic. Last evaluated: 2022-02-25. Review status: criteria provided, single submitter. Criteria: ACMG Guidelines, 2015. Collection method: clinical testing. Allele origin: germline. Observed: 3 variant alleles.
Comment: PM2, PM3_strong

Division Of Personalized Genomic Medicine, Columbia University Irving Medical Center
Classification: Likely pathogenic for Autosomal recessive nonsyndromic hearing loss 16. Last evaluated: 2021-01-07. Review status: criteria provided, single submitter. Criteria: ACMG Guidelines, 2015. Collection method: clinical testing. Allele origin: germline. Inheritance: Autosomal recessive inheritance. Affected: yes. Observed: 1 compound heterozygote.
Comment: The c.4171C>G variant in the STRC gene is missense variant, which results in the substitution of an arginine residue at amino acid position 1391 for a glycine (NP_116023.2). This variant localizes to coding exon 21 of the STRC gene (29 coding exons in total; NM_032634.4). In silico predictors for this variant are not consistent: It is predicted to be neutral to protein structure and/or function by PROVEAN, but is predicted to be damaging by SIFT. This variant was reported in Genome Aggregation Database (gnomAD) with an allelic frequency of 0.0129% (25 out of 193,244 alleles). This variant is reported in ClinVar as pathogenic/likely pathogenic by three laboratories (allele ID# 165311, last accessed 8/11/2020). This variant has been reported in two Ashkenazi Jewish families with mild to moderate hearing loss: in one family, the variant was found in the homozygous state in all six affected siblings while parents were heterozygous carriers. In the second family, two affected siblings were compound heterozygous for this variant and a large deletion of the STRC gene (PMID: 22147502). Given this evidence, the c.4171C>G (p.Arg1391Gly) variant in STRC is considered likely pathogenic.

Laboratory for Molecular Medicine, Mass General Brigham Personalized Medicine
Classification: Likely pathogenic for Rare genetic deafness. Last evaluated: 2020-01-10. Review status: criteria provided, single submitter. Criteria: LMM Criteria. Collection method: clinical testing. Allele origin: germline. Inheritance: Autosomal recessive inheritance. Observed: 2 variant alleles.
Comment: The p.Arg1391Gly variant in STRC has been reported in two Ashkenazi Jewish families with mild to moderate sensorineural hearing loss (Francey 2011). In one family, this variant was found in the homozygous state in all six affected siblings while unaffected parents were heterozygous for this variant. In the other family, the two affected siblings were compound heterozygous for the Arg1391Gly variant and a large deletion of the STRC gene. This variant has also been detected in 0.5% (1/182) of Ashkenazi Jewish control chromosomes by the same study (Francey 2011) and in 0.2% (20/9068) of Ashkenazi Jewish chromosomes by gnomAD. In summary, although additional studies are required to fully establish its clinical significance, this variant is classified as likely pathogenic for autosomal recessive hearing loss. ACMG/AMP Criteria applied: PM3, PP1_Strong, BS1_Supporting.

Genome-Nilou Lab
Classification: Likely pathogenic for Autosomal recessive nonsyndromic hearing loss 16. Review status: criteria provided, single submitter. Criteria: ACMG Guidelines, 2015. Collection method: clinical testing. Allele origin: germline.

Laboratory of Prof. Karen Avraham, Tel Aviv University
Classification: Pathogenic for Autosomal dominant nonsyndromic hearing loss 16. Last evaluated: 2016-02-19. Review status: no assertion criteria provided. Collection method: research. Allele origin: germline. Affected: yes. Not counted in ClinVar's aggregate classification.
Comment: Congenital, mild-moderate HL

NSHL; recessive, DFNB160.1 MB deletion

Literature cited by the submitters: PubMed 29425068 (cited by New York Genome Center); PubMed 26969326 (cited by Women's Health and Genetics/Laboratory Corporation of America, LabCorp); PubMed 22147502 (cited by 3 submitters).